The following is an entry in ClinVar:

ClinVar aggregate classification (germline): Conflicting classifications of pathogenicity. Review status: criteria provided, conflicting classifications (1 of 4 stars). 3 submissions from 3 submitters: Uncertain significance (2); Likely benign (1). Last evaluated 2026-09-01.

Conditions:
Cognitive impairment - coarse facies - heart defects - obesity - pulmonary involvement - short stature - skeletal dysplasia syndrome. Also called: Chops syndrome; COGNITIVE IMPAIRMENT, COARSE FACIES, HEART DEFECTS, OBESITY, PULMONARY INVOLVEMENT, SHORT STATURE, AND SKELETAL DYSPLASIA; AFF4-Related CHOPS Syndrome. Identifiers: Orphanet 444077, MedGen C4085597, MONDO:0014609, OMIM 616368.
AFF4-related disorder. Also called: AFF4-related condition.

Allele frequency attached by ClinVar (database versions not stated): ExAC 0.00001; gnomAD exomes 0.00001; TOPMed 0.00001.
gnomAD v4.1: 11 of 1,613,732 alleles (0.00068%); highest among the groups gnomAD compares: Admixed American, 0.0067%; no homozygotes.

Submissions (3):

CeGaT Center for Human Genetics Tuebingen
Classification: Likely benign. Last evaluated: 2026-09-01. Review status: criteria provided, single submitter. Criteria: CeGaT Center For Human Genetics Tuebingen Variant Classification Criteria Version 2. Collection method: clinical testing. Allele origin: germline. Affected: yes. Observed: 1 variant allele.
Comment: AFF4: BP4

PreventionGenetics, part of Exact Sciences
Classification: Uncertain significance for AFF4-related condition. Last evaluated: 2025-01-28. Review status: criteria provided, single submitter. Criteria: ACMG Guidelines, 2015. Collection method: clinical testing. Allele origin: germline.
Comment: The AFF4 c.92G>A variant is predicted to result in the amino acid substitution p.Ser31Asn. To our knowledge, this variant has not been reported in the literature. This variant is reported in 0.0033% of alleles in individuals of South Asian descent in gnomAD. At this time, the clinical significance of this variant is uncertain due to the absence of conclusive functional and genetic evidence.

Labcorp Genetics (formerly Invitae), Labcorp
Classification: Uncertain significance for Cognitive impairment - coarse facies - heart defects - obesity - pulmonary involvement - short stature - skeletal dysplasia syndrome. Last evaluated: 2024-11-11. Review status: criteria provided, single submitter. Criteria: Invitae Variant Classification Sherloc (09022015). Collection method: clinical testing. Allele origin: germline.
Comment: This sequence change replaces serine, which is neutral and polar, with asparagine, which is neutral and polar, at codon 31 of the AFF4 protein (p.Ser31Asn). This variant is present in population databases (rs780861444, gnomAD 0.006%). This variant has not been reported in the literature in individuals affected with AFF4-related conditions. ClinVar contains an entry for this variant (Variation ID: 2856298). Invitae Evidence Modeling of protein sequence and biophysical properties (such as structural, functional, and spatial information, amino acid conservation, physicochemical variation, residue mobility, and thermodynamic stability) indicates that this missense variant is not expected to disrupt AFF4 protein function with a negative predictive value of 80%. In summary, the available evidence is currently insufficient to determine the role of this variant in disease. Therefore, it has been classified as a Variant of Uncertain Significance.

NM_014423.4(AFF4):c.92G>A (p.Ser31Asn)

Gene: AFF4 (ALF transcription elongation factor 4; minus strand). Cytogenetic location: 5q31.1.
Variant type: single nucleotide variant.
Coding change: c.92G>A on transcript NM_014423.4 (MANE Select); coding-DNA position 92, G replaced by A.
Protein change: p.Ser31Asn; replaces serine 31 with asparagine.
Molecular consequence: missense variant.
Genome position (GRCh38, 1-based): chr5:132,937,098, C>T on the plus strand (G>A on the coding strand, the complement: AFF4 is on the minus strand). VCF-style: chr5-132937098-C-T. GRCh37 (hg19) VCF-style: chr5-132272790-C-T.
Other names: c.92G>A (NM_014423.3); short protein forms S31N.
Identifiers: ClinVar variation 2856298 (VCV002856298.6), dbSNP rs780861444, ClinGen allele CA3409514.